The following is an entry in ClinVar:

NM_001127222.2(CACNA1A):c.65G>A (p.Gly22Glu)

Gene: CACNA1A (calcium voltage-gated channel subunit alpha1 A; minus strand). Cytogenetic location: 19p13.13.
Variant type: single nucleotide variant.
Coding change: c.65G>A on transcript NM_001127222.2 (MANE Select); coding-DNA position 65, G replaced by A.
Protein change: p.Gly22Glu; replaces glycine 22 with glutamic acid.
Molecular consequence: missense variant.
Genome position (GRCh38, 1-based): chr19:13,506,160, C>T on the plus strand (G>A on the coding strand, the complement: CACNA1A is on the minus strand). VCF-style: chr19-13506160-C-T. GRCh37 (hg19) VCF-style: chr19-13616974-C-T.
Other names: c.65G>A (NM_001127221.1); c.65G>A, p.Gly22Glu (NM_000068.4, NM_001127221.2, NM_001174080.2 and 1 more transcripts); short protein forms G22E.
Identifiers: ClinVar variation 1379937 (VCV001379937.10), dbSNP rs1983011989, ClinGen allele CA404971278.
Genomic context (GRCh38, chr19:13,506,160, plus strand): 5'-GGCTGCCCGCCCTGCCGGCTGCCCCCGGCTCCTCGCCCGCCTCCGCTGCCCACGACCACC[C>T]CGGCGGCTGCCCCGGAGCCTCCTCCCCCGTAGCGGGCCGGCATCTCGTCTCCGAAGCGGG-3'
Protein context (NP_001120694.1, residues 12-32): YGGGGSGAAA[Gly22Glu]VVVGSGGGRG

ClinVar aggregate classification (germline): Uncertain significance. Review status: criteria provided, multiple submitters, no conflicts (2 of 4 stars). 2 submissions from 2 submitters: Uncertain significance (2). Last evaluated 2026-10-05.

Conditions:
Episodic ataxia type 2 (EA2). Also called: ATAXIA, EPISODIC, WITH NYSTAGMUS; ATAXIA, FAMILIAL PAROXYSMAL; CEREBELLAR ATAXIA, PAROXYSMAL, ACETAZOLAMIDE-RESPONSIVE; CEREBELLOPATHY, HEREDITARY PAROXYSMAL; EPISODIC ATAXIA, NYSTAGMUS-ASSOCIATED; ACETAZOLAMIDE-RESPONSIVE HEREDITARY PAROXYSMAL CEREBELLAR ATAXIA. Identifiers: Orphanet 97, MedGen C1720416, MONDO:0007163, OMIM 108500.
Developmental and epileptic encephalopathy, 42 (DEE42A). Also called: Epileptic encephalopathy, early infantile, 42; EPILEPTIC ENCEPHALOPATHY, EARLY INFANTILE, 42A; DEVELOPMENTAL AND EPILEPTIC ENCEPHALOPATHY 42A. Identifiers: MedGen C4310716, MONDO:0014917, OMIM 617106.

Submissions (2):

GeneDx
Classification: Uncertain significance. Last evaluated: 2026-10-05. Review status: criteria provided, single submitter. Criteria: GeneDx Variant Classification Process June 2021. Collection method: clinical testing. Allele origin: germline.
Comment: Not observed at significant frequency in large population cohorts (gnomAD); In silico analysis suggests that this missense variant does not alter protein structure/function; Has not been previously published as pathogenic or benign to our knowledge

Labcorp Genetics (formerly Invitae), Labcorp
Classification: Uncertain significance for Developmental and epileptic encephalopathy, 42; Episodic ataxia type 2. Last evaluated: 2022-11-10. Review status: criteria provided, single submitter. Criteria: Invitae Variant Classification Sherloc (09022015). Collection method: clinical testing. Allele origin: germline.
Comment: Advanced modeling of protein sequence and biophysical properties (such as structural, functional, and spatial information, amino acid conservation, physicochemical variation, residue mobility, and thermodynamic stability) has been performed at Invitae for this missense variant, however the output from this modeling did not meet the statistical confidence thresholds required to predict the impact of this variant on CACNA1A protein function. ClinVar contains an entry for this variant (Variation ID: 1379937). This variant has not been reported in the literature in individuals affected with CACNA1A-related conditions. This variant is not present in population databases (gnomAD no frequency). This sequence change replaces glycine, which is neutral and non-polar, with glutamic acid, which is acidic and polar, at codon 22 of the CACNA1A protein (p.Gly22Glu). In summary, the available evidence is currently insufficient to determine the role of this variant in disease. Therefore, it has been classified as a Variant of Uncertain Significance.